The following is an entry in ClinVar:

ClinVar aggregate classification (germline): Uncertain significance (1 of 4 stars; one submission).

Conditions:
Joubert syndrome 21 (JBTS21). Identifiers: MedGen C3810212, MONDO:0014288, OMIM 615636.

Submission:

Labcorp Genetics (formerly Invitae), Labcorp
Classification: Uncertain significance for Joubert syndrome 21. Last evaluated: 2022-01-19. Review status: criteria provided, single submitter. Criteria: Invitae Variant Classification Sherloc (09022015). Collection method: clinical testing. Allele origin: germline.
Comment: This sequence change replaces proline, which is neutral and non-polar, with arginine, which is basic and polar, at codon 559 of the CSPP1 protein (p.Pro559Arg). This variant is not present in population databases (gnomAD no frequency). This variant has not been reported in the literature in individuals affected with CSPP1-related conditions. Algorithms developed to predict the effect of missense changes on protein structure and function are either unavailable or do not agree on the potential impact of this missense change (SIFT: "Tolerated"; PolyPhen-2: "Possibly Damaging"; Align-GVGD: "Class C0"). In summary, the available evidence is currently insufficient to determine the role of this variant in disease. Therefore, it has been classified as a Variant of Uncertain Significance.

NM_001382391.1(CSPP1):c.1691C>G (p.Pro564Arg)

Gene: CSPP1 (centrosome and spindle pole associated protein 1; plus strand). Cytogenetic location: 8q13.2.
Variant type: single nucleotide variant.
Coding change: c.1691C>G on transcript NM_001382391.1 (MANE Select); coding-DNA position 1691, C replaced by G.
Protein change: p.Pro564Arg; replaces proline 564 with arginine.
Molecular consequence: missense variant.
Genome position (GRCh38, 1-based): chr8:67,118,815, C>G. VCF-style: chr8-67118815-C-G. GRCh37 (hg19) VCF-style: chr8-68031050-C-G.
Other names: c.794C>G, p.Pro265Arg (NM_001291339.2); c.1610C>G, p.Pro537Arg (NM_001363131.2); c.1649C>G, p.Pro550Arg (NM_001363132.2); c.1568C>G, p.Pro523Arg (NM_001363133.2); c.1757C>G, p.Pro586Arg (NM_001364869.1); c.1577C>G, p.Pro526Arg (NM_001364870.1); c.1676C>G, p.Pro559Arg (NM_024790.7); short protein forms P537R, P550R, P586R, P523R, P265R, P526R, P559R, P564R.
Identifiers: ClinVar variation 2073979 (VCV002073979.4), dbSNP rs2129551479, ClinGen allele CA371201318.
Genomic context (GRCh38, chr8:67,118,815, plus strand): 5'-TGATGGGCGTACAGCCTGCAGCTTATGTTAGTGCTCCTGTCACCCACCAACTAGCACAAC[C>G]TGTTGTGTAAGTTATTAGTTAAAAGAATAATTTTTTCCCCACTTTTATTTTGTTAAGATA-3'
Protein context (NP_001369320.1, residues 554-574): SAPVTHQLAQ[Pro564Arg]VVNTVGQNEL